The following is an entry in ClinVar:

ClinVar aggregate classification (germline): Uncertain significance (1 of 4 stars; one submission).

Conditions:
Polyglucosan body myopathy type 1 (PGBM1). Also called: Polyglucosan body myopathy 1 with or without immunodeficiency; POLYGLUCOSAN BODY MYOPATHY WITHOUT IMMUNODEFICIENCY. Identifiers: Orphanet 329173, Orphanet 397937, MedGen C4014605, MONDO:0014389, OMIM 615895.

Submission:

Labcorp Genetics (formerly Invitae), Labcorp
Classification: Uncertain significance for Polyglucosan body myopathy type 1. Last evaluated: 2024-10-21. Review status: criteria provided, single submitter. Criteria: Invitae Variant Classification Sherloc (09022015). Collection method: clinical testing. Allele origin: germline.
Comment: This sequence change replaces arginine with lysine at codon 339 of the RBCK1 protein (p.Arg339Lys). The arginine residue is highly conserved and there is a small physicochemical difference between arginine and lysine. This variant is not present in population databases (gnomAD no frequency). This variant has not been reported in the literature in individuals affected with RBCK1-related conditions. ClinVar contains an entry for this variant (Variation ID: 1380513). Invitae Evidence Modeling of protein sequence and biophysical properties (such as structural, functional, and spatial information, amino acid conservation, physicochemical variation, residue mobility, and thermodynamic stability) indicates that this missense variant is expected to disrupt RBCK1 protein function with a positive predictive value of 80%. In summary, the available evidence is currently insufficient to determine the role of this variant in disease. Therefore, it has been classified as a Variant of Uncertain Significance.

NM_031229.4(RBCK1):c.1016G>A (p.Arg339Lys)

Gene: RBCK1 (RANBP2-type and C3HC4-type zinc finger containing 1; plus strand). Cytogenetic location: 20p13.
Variant type: single nucleotide variant.
Coding change: c.1016G>A on transcript NM_031229.4 (MANE Select); coding-DNA position 1016, G replaced by A.
Protein change: p.Arg339Lys; replaces arginine 339 with lysine.
Molecular consequence: missense variant. On other transcripts: non-coding transcript variant (1).
Genome position (GRCh38, 1-based): chr20:422,225, G>A. VCF-style: chr20-422225-G-A. GRCh37 (hg19) VCF-style: chr20-402869-G-A.
Other names: c.506G>A, p.Arg169Lys (NM_001323956.2, NM_001323958.2); c.890G>A, p.Arg297Lys (NM_006462.6); short protein forms R169K, R297K, R339K.
Identifiers: ClinVar variation 1380513 (VCV001380513.6), dbSNP rs2122282675, ClinGen allele CA407931193.